The following is an entry in ClinVar:

ClinVar aggregate classification (germline): Benign. Review status: criteria provided, multiple submitters, no conflicts (2 of 4 stars). 6 submissions from 6 submitters: Benign (6). Last evaluated 2026-02-03.

Conditions:
Retinitis pigmentosa (RP). Identifiers: Orphanet 791, MedGen C0035334, MeSH D012174, MONDO:0019200, OMIM 268000. Inheritance: Autosomal dominant, autosomal recessive and X linked inheritance.
Retinitis pigmentosa 33 (RP33). Identifiers: Orphanet 791, MedGen C1835895, MONDO:0012477, OMIM 610359.
Retinal dystrophy. Also called: Inherited retinal dystrophy. Identifiers: Orphanet 71862, MedGen C0854723, MeSH D058499, MONDO:0019118, HP:0000556.

Allele frequency attached by ClinVar (database versions not stated): 1000 Genomes Project 30x 0.24063; 1000 Genomes Project 0.24601; ESP Exome Variant Server 0.25196; TOPMed 0.26106; gnomAD 0.27441 and 0.27589; ExAC 0.30971; gnomAD exomes 0.31640 and 0.32610.
gnomAD v4.1: 516,366 of 1,613,902 alleles (32%); highest among the groups gnomAD compares: East Asian, 43%; 87,418 homozygotes.

Submissions (6):

Labcorp Genetics (formerly Invitae), Labcorp
Classification: Benign. Last evaluated: 2026-02-03. Review status: criteria provided, single submitter. Criteria: Invitae Variant Classification Sherloc (09022015). Collection method: clinical testing. Allele origin: germline.

Dept Of Ophthalmology, Nagoya University
Classification: Benign for Retinal dystrophy. Last evaluated: 2023-10-01. Review status: criteria provided, single submitter. Criteria: Submitter's publication. Collection method: research. Allele origin: germline. Affected: yes.

Genome-Nilou Lab
Classification: Benign for Retinitis pigmentosa 33. Last evaluated: 2021-07-15. Review status: criteria provided, single submitter. Criteria: ACMG Guidelines, 2015. Collection method: clinical testing. Allele origin: germline. Affected: no.

GeneDx
Classification: Benign. Last evaluated: 2018-06-22. Review status: criteria provided, single submitter. Criteria: GeneDx Variant Classification Process June 2021. Collection method: clinical testing. Allele origin: germline. Affected: yes.

Illumina Laboratory Services, Illumina
Classification: Benign for Retinitis pigmentosa. Last evaluated: 2018-01-13. Review status: criteria provided, single submitter. Criteria: ICSL Variant Classification Criteria 13 December 2019. Collection method: clinical testing. Allele origin: germline.
Comment: This variant was observed in the ICSL laboratory as part of a predisposition screen in an ostensibly healthy population. It had not been previously curated by ICSL or reported in the Human Gene Mutation Database (HGMD: prior to June 1st, 2018), and was therefore a candidate for classification through an automated scoring system. Utilizing variant allele frequency, disease prevalence and penetrance estimates, and inheritance mode, an automated score was calculated to assess if this variant is too frequent to cause the disease. Based on the score and internal cut-off values, a variant classified as benign is not then subjected to further curation. The score for this variant resulted in a classification of benign for this disease.

Breakthrough Genomics
Classification: Benign. Review status: criteria provided, single submitter. Criteria: ACMG Guidelines, 2015. Collection method: not provided. Allele origin: germline. Inheritance: Unknown mechanism. Affected: yes.

NM_014014.5(SNRNP200):c.5317C>T (p.Leu1773=)

Genes: SNRNP200 (small nuclear ribonucleoprotein U5 subunit 200; minus strand), LOC126806272 (BRD4-independent group 4 enhancer GRCh37_chr2:96944520-96945719; plus strand). Cytogenetic location: 2q11.2.
Variant type: single nucleotide variant.
Coding change: c.5317C>T on transcript NM_014014.5 (MANE Select); coding-DNA position 5317, C replaced by T.
Protein change: p.Leu1773=; no amino-acid change (leucine 1773 retained).
Molecular consequence: synonymous variant.
Genome position (GRCh38, 1-based): chr2:96,278,815, G>A on the plus strand (C>T on the coding strand, the complement: SNRNP200 is on the minus strand). VCF-style: chr2-96278815-G-A. GRCh37 (hg19) VCF-style: chr2-96944553-G-A.
Identifiers: ClinVar variation 337536 (VCV000337536.19), dbSNP rs772175, ClinGen allele CA1778005.
Genomic context (GRCh38, chr2:96,278,815, plus strand): 5'-AGCAAAGACTGTGAGAACCACCAAAGGATCACGTGTGCTCCCAAGCCCACTGACCCTGCA[G>A]GTTGTAGTAATTGGGGTTCTGTGTCATGCGGCGGTACAGAAAGGTCCAGGTGAGGTAGTC-3'
Protein context (NP_054733.2, residues 1763-1783): RMTQNPNYYN[Leu1773=]QGISHRHLSD